The following is an entry in ClinVar:

ClinVar aggregate classification (germline): Likely benign (1 of 4 stars; one submission).

Submission:

CeGaT Center for Human Genetics Tuebingen
Classification: Likely benign. Last evaluated: 2025-10-01. Review status: criteria provided, single submitter. Criteria: CeGaT Center For Human Genetics Tuebingen Variant Classification Criteria Version 2. Collection method: clinical testing. Allele origin: germline. Affected: yes. Observed: 1 variant allele.
Comment: IWS1: BP4, BP7

NM_017969.3(IWS1):c.765T>C (p.Pro255=)

Gene: IWS1 (interacts with SUPT6H, CTD assembly factor 1; minus strand). Cytogenetic location: 2q14.3.
Variant type: single nucleotide variant.
Coding change: c.765T>C on transcript NM_017969.3 (MANE Select); coding-DNA position 765, T replaced by C.
Protein change: p.Pro255=; no amino-acid change (proline 255 retained).
Molecular consequence: synonymous variant.
Genome position (GRCh38, 1-based): chr2:127,505,138, A>G on the plus strand (T>C on the coding strand, the complement: IWS1 is on the minus strand). VCF-style: chr2-127505138-A-G. GRCh37 (hg19) VCF-style: chr2-128262714-A-G.
Other names: c.765T>C, p.Pro255= (NM_001410923.1).
Identifiers: ClinVar variation 4535474 (VCV004535474.6).